The following is an entry in ClinVar:

ClinVar aggregate classification (germline): Conflicting classifications of pathogenicity. Review status: criteria provided, conflicting classifications (1 of 4 stars). 3 submissions from 3 submitters: Uncertain significance (1); Likely benign (2). Last evaluated 2025-06-01.

Allele frequency attached by ClinVar (database versions not stated): gnomAD 0.00021; TOPMed 0.00023.
gnomAD v4.1: 324 of 1,095,020 alleles (0.03%); highest among the groups gnomAD compares: Middle Eastern, 0.039%; no homozygotes.

Submissions (3):

CeGaT Center for Human Genetics Tuebingen
Classification: Likely benign. Last evaluated: 2025-06-01. Review status: criteria provided, single submitter. Criteria: CeGaT Center For Human Genetics Tuebingen Variant Classification Criteria Version 2. Collection method: clinical testing. Allele origin: germline. Affected: yes. Observed: 1 variant allele.
Comment: FBRSL1: BS1

Laboratory of Genetics, Children's Clinical University Hospital Latvia
Classification: Likely benign. Last evaluated: 2025-02-16. Review status: criteria provided, single submitter. Criteria: ACMG Guidelines, 2015. Collection method: clinical testing. Allele origin: germline. Affected: yes.

Ambry Genetics
Classification: Uncertain significance. Last evaluated: 2022-04-08. Review status: criteria provided, single submitter. Criteria: Ambry Variant Classification Scheme 2023. Collection method: clinical testing. Allele origin: germline.

NM_001367871.1(FBRSL1):c.2899A>G (p.Thr967Ala)

Gene: FBRSL1 (fibrosin like 1; plus strand). Cytogenetic location: 12q24.33.
Variant type: single nucleotide variant.
Coding change: c.2899A>G on transcript NM_001367871.1 (MANE Select); coding-DNA position 2899, A replaced by G.
Protein change: p.Thr967Ala; replaces threonine 967 with alanine.
Molecular consequence: missense variant.
Genome position (GRCh38, 1-based): chr12:132,583,668, A>G. VCF-style: chr12-132583668-A-G. GRCh37 (hg19) VCF-style: chr12-133160254-A-G.
Other names: c.3028A>G, p.Thr1010Ala (NM_001142641.2); c.2953A>G, p.Thr985Ala (NM_001382739.1); c.2278A>G, p.Thr760Ala (NM_001382740.1); short protein forms T1010A, T760A, T985A, T967A.
Identifiers: ClinVar variation 2347610 (VCV002347610.11), dbSNP rs894765917, ClinGen allele CA246306199.